The following is an entry in ClinVar:

NM_001035.3(RYR2):c.4910+6C>T

Gene: RYR2 (ryanodine receptor 2; plus strand). Cytogenetic location: 1q43.
Variant type: single nucleotide variant.
Coding change: c.4910+6C>T on transcript NM_001035.3 (MANE Select); 6 bases into the intron after coding-DNA position 4910, C replaced by T.
Molecular consequence: intron variant.
Genome position (GRCh38, 1-based): chr1:237,610,994, C>T. VCF-style: chr1-237610994-C-T. GRCh37 (hg19) VCF-style: chr1-237774294-C-T.
Other names: c.4910+6C>T (LRG_402t1).
Identifiers: ClinVar variation 511640 (VCV000511640.5), dbSNP rs1553521040, ClinGen allele CA658795632.

ClinVar aggregate classification (germline): Conflicting classifications of pathogenicity. Review status: criteria provided, conflicting classifications (1 of 4 stars). 2 submissions from 2 submitters: Uncertain significance (1); Likely benign (1). Last evaluated 2022-01-06.

Conditions:
Catecholaminergic polymorphic ventricular tachycardia 1. Also called: VENTRICULAR TACHYCARDIA, CATECHOLAMINERGIC POLYMORPHIC, 1, WITH OR WITHOUT ATRIAL DYSFUNCTION AND/OR DILATED CARDIOMYOPATHY; RYR2-Related Catecholaminergic Polymorphic Ventricular Tachycardia; VENTRICULAR TACHYCARDIA, STRESS-INDUCED POLYMORPHIC 1. Identifiers: Orphanet 3286, MedGen C1631597, MONDO:0011484, OMIM 604772.

Submissions (2):

Labcorp Genetics (formerly Invitae), Labcorp
Classification: Uncertain significance for Catecholaminergic polymorphic ventricular tachycardia 1. Last evaluated: 2022-01-06. Review status: criteria provided, single submitter. Criteria: Invitae Variant Classification Sherloc (09022015). Collection method: clinical testing. Allele origin: germline.
Comment: In summary, the available evidence is currently insufficient to determine the role of this variant in disease. Therefore, it has been classified as a Variant of Uncertain Significance. Variants that disrupt the consensus splice site are a relatively common cause of aberrant splicing (PMID: 17576681, 9536098). Algorithms developed to predict the effect of sequence changes on RNA splicing suggest that this variant is not likely to affect RNA splicing. ClinVar contains an entry for this variant (Variation ID: 511640). This variant has not been reported in the literature in individuals affected with RYR2-related conditions. This variant is not present in population databases (gnomAD no frequency). This sequence change falls in intron 36 of the RYR2 gene. It does not directly change the encoded amino acid sequence of the RYR2 protein. It affects a nucleotide within the consensus splice site.

GeneDx
Classification: Likely benign. Last evaluated: 2017-08-23. Review status: criteria provided, single submitter. Criteria: GeneDx Variant Classification (06012015). Collection method: clinical testing. Allele origin: germline. Affected: yes.
Comment: This variant is considered likely benign or benign based on one or more of the following criteria: it is a conservative change, it occurs at a poorly conserved position in the protein, it is predicted to be benign by multiple in silico algorithms, and/or has population frequency not consistent with disease.

Literature cited by the submitters: PubMed 17576681 (cited by Labcorp Genetics (formerly Invitae), Labcorp); PubMed 9536098 (cited by Labcorp Genetics (formerly Invitae), Labcorp).